The following is an entry in ClinVar:

NM_001009944.3(PKD1):c.3725C>T (p.Thr1242Met)

Gene: PKD1 (polycystin 1, transient receptor potential channel interacting; minus strand). Cytogenetic location: 16p13.3.
Variant type: single nucleotide variant.
Coding change: c.3725C>T on transcript NM_001009944.3 (MANE Select); coding-DNA position 3725, C replaced by T.
Protein change: p.Thr1242Met; replaces threonine 1242 with methionine.
Molecular consequence: missense variant.
Genome position (GRCh38, 1-based): chr16:2,111,442, G>A on the plus strand (C>T on the coding strand, the complement: PKD1 is on the minus strand). VCF-style: chr16-2111442-G-A. GRCh37 (hg19) VCF-style: chr16-2161443-G-A.
Other names: c.3725C>T, p.Thr1242Met (NM_000296.4); short protein forms T1242M.
Identifiers: ClinVar variation 2634826 (VCV002634826.1), dbSNP rs1033550407, ClinGen allele CA276781893.

ClinVar aggregate classification (germline): Uncertain significance (1 of 4 stars; one submission).

Conditions:
PKD1-related disorder. Also called: PKD1-related condition.

Allele frequency attached by ClinVar (database versions not stated): gnomAD 0.00002; TOPMed 0.00002.
gnomAD v4.1: 10 of 1,611,788 alleles (0.00062%); highest among the groups gnomAD compares: African/African-American, 0.004%; no homozygotes.

Submission:

PreventionGenetics, part of Exact Sciences
Classification: Uncertain significance for PKD1-related condition. Last evaluated: 2023-06-26. Review status: criteria provided, single submitter. Criteria: ACMG Guidelines, 2015. Collection method: clinical testing. Allele origin: germline.
Comment: The PKD1 c.3725C>T variant is predicted to result in the amino acid substitution p.Thr1242Met. This variant was reported in the compound heterozygous state along with the PKD1 c.3296G>T (p.Ser99Ile) variant in an individual with autosomal dominant polycystic kidney disease (Table S6, Patient ID: P7, Tan et al. 2009. PubMed ID: 18837007). This variant has not been reported in a large population database, indicating this variant is rare. At this time, the clinical significance of this variant is uncertain due to the absence of conclusive functional and genetic evidence.